The following is an entry in ClinVar:

NM_144991.3(TSPEAR):c.1422C>T (p.Ser474=)

Gene: TSPEAR (thrombospondin type laminin G domain and EAR repeats; minus strand). Cytogenetic location: 21q22.3.
Variant type: single nucleotide variant.
Coding change: c.1422C>T on transcript NM_144991.3 (MANE Select); coding-DNA position 1422, C replaced by T.
Protein change: p.Ser474=; no amino-acid change (serine 474 retained).
Molecular consequence: synonymous variant.
Genome position (GRCh38, 1-based): chr21:44,522,027, G>A on the plus strand (C>T on the coding strand, the complement: TSPEAR is on the minus strand). VCF-style: chr21-44522027-G-A. GRCh37 (hg19) VCF-style: chr21-45941910-G-A.
Other names: c.1422C>T (NM_144991.2); c.1218C>T, p.Ser406= (NM_001272037.2).
Identifiers: ClinVar variation 1624286 (VCV001624286.34), dbSNP rs375066240, ClinGen allele CA10056580.

ClinVar aggregate classification (germline): Likely benign. Review status: criteria provided, multiple submitters, no conflicts (2 of 4 stars). 3 submissions from 3 submitters: Likely benign (3). Last evaluated 2026-06-16.

Conditions:
TSPEAR-related disorder. Also called: TSPEAR-related condition.

Allele frequency attached by ClinVar (database versions not stated): gnomAD 0.00003; gnomAD exomes 0.00003 and 0.00008; TOPMed 0.00004; ESP Exome Variant Server 0.00008; ExAC 0.00009.
gnomAD v4.1: 55 of 1,614,068 alleles (0.0034%); highest among the groups gnomAD compares: Middle Eastern, 0.2%; 1 homozygote.

Submissions (3):

PreventionGenetics, part of Exact Sciences
Classification: Likely benign for TSPEAR-related condition. Last evaluated: 2026-06-16. Review status: criteria provided, single submitter. Criteria: ACMG Guidelines, 2015. Collection method: clinical testing. Allele origin: germline.
Comment: This variant is classified as likely benign based on ACMG/AMP sequence variant interpretation guidelines (Richards et al. 2015 PMID: 25741868, with internal and published modifications).

Labcorp Genetics (formerly Invitae), Labcorp
Classification: Likely benign. Last evaluated: 2024-12-02. Review status: criteria provided, single submitter. Criteria: Invitae Variant Classification Sherloc (09022015). Collection method: clinical testing. Allele origin: germline.

CeGaT Center for Human Genetics Tuebingen
Classification: Likely benign. Last evaluated: 2022-11-01. Review status: criteria provided, single submitter. Criteria: CeGaT Center For Human Genetics Tuebingen Variant Classification Criteria Version 2. Collection method: clinical testing. Allele origin: germline. Affected: yes. Observed: 1 variant allele.
Comment: TSPEAR: BP4, BP7